The following is an entry in ClinVar:

ClinVar aggregate classification (germline): Uncertain significance (1 of 4 stars; one submission).

Allele frequency attached by ClinVar (database versions not stated): gnomAD exomes 0.00001 and 0.00002; ExAC 0.00003; TOPMed below 0.00001.
gnomAD v4.1: 5 of 1,604,058 alleles (0.00031%); highest among the groups gnomAD compares: Non-Finnish European, 0.00042%; no homozygotes.

Submission:

Labcorp Genetics (formerly Invitae), Labcorp
Classification: Uncertain significance. Last evaluated: 2021-09-21. Review status: criteria provided, single submitter. Criteria: Invitae Variant Classification Sherloc (09022015). Collection method: clinical testing. Allele origin: germline.
Comment: This variant is present in population databases (rs776590366, ExAC 0.006%). This sequence change replaces cysteine with serine at codon 206 of the XYLT2 protein (p.Cys206Ser). The cysteine residue is highly conserved and there is a moderate physicochemical difference between cysteine and serine. This variant has not been reported in the literature in individuals affected with XYLT2-related conditions. In summary, the available evidence is currently insufficient to determine the role of this variant in disease. Therefore, it has been classified as a Variant of Uncertain Significance. Algorithms developed to predict the effect of missense changes on protein structure and function (SIFT, PolyPhen-2, Align-GVGD) all suggest that this variant is likely to be disruptive.

NM_022167.4(XYLT2):c.617G>C (p.Cys206Ser)

Gene: XYLT2 (xylosyltransferase 2; plus strand). Cytogenetic location: 17q21.33.
Variant type: single nucleotide variant.
Coding change: c.617G>C on transcript NM_022167.4 (MANE Select); coding-DNA position 617, G replaced by C.
Protein change: p.Cys206Ser; replaces cysteine 206 with serine.
Molecular consequence: missense variant.
Genome position (GRCh38, 1-based): chr17:50,354,111, G>C. VCF-style: chr17-50354111-G-C. GRCh37 (hg19) VCF-style: chr17-48431472-G-C.
Other names: short protein forms C206S.
Identifiers: ClinVar variation 1472971 (VCV001472971.4), dbSNP rs776590366, ClinGen allele CA8646198.